The following is an entry in ClinVar:

NM_201384.3(PLEC):c.9706A>G (p.Lys3236Glu)

Gene: PLEC (plectin; minus strand). Cytogenetic location: 8q24.3.
Variant type: single nucleotide variant.
Coding change: c.9706A>G on transcript NM_201384.3 (MANE Select); coding-DNA position 9706, A replaced by G.
Protein change: p.Lys3236Glu; replaces lysine 3236 with glutamic acid.
Molecular consequence: missense variant.
Genome position (GRCh38, 1-based): chr8:143,920,115, T>C on the plus strand (A>G on the coding strand, the complement: PLEC is on the minus strand). VCF-style: chr8-143920115-T-C. GRCh37 (hg19) VCF-style: chr8-144994283-T-C.
Other names: c.9787A>G, p.Lys3263Glu (NM_000445.5); c.9664A>G, p.Lys3222Glu (NM_201378.4); c.9640A>G, p.Lys3214Glu (NM_201379.3); c.10117A>G, p.Lys3373Glu (NM_201380.4); c.9610A>G, p.Lys3204Glu (NM_201381.3); c.9706A>G, p.Lys3236Glu (NM_201382.4); c.9718A>G, p.Lys3240Glu (NM_201383.3); short protein forms K3204E, K3240E, K3214E, K3222E, K3236E, K3263E, K3373E.
Identifiers: ClinVar variation 289519 (VCV000289519.12), dbSNP rs576165288, ClinGen allele CA4924882.

ClinVar aggregate classification (germline): Uncertain significance. Review status: criteria provided, multiple submitters, no conflicts (2 of 4 stars). 3 submissions from 3 submitters: Uncertain significance (3). Last evaluated 2022-10-12.

Conditions:
Epidermolysis bullosa simplex 5C, with pyloric atresia (EBS5C). Also called: Epidermolysis bullosa simplex with pyloric atresia; PLEC-Related Epidermolysis Bullosa with Pyloric Atresia; PLEC1-Related Epidermolysis Bullosa with Pyloric Atresia. Identifiers: Orphanet 158684, MedGen C2677349, MONDO:0012807, OMIM 612138.
Autosomal recessive limb-girdle muscular dystrophy type 2Q (LGMDR17). Also called: MUSCULAR DYSTROPHY, LIMB-GIRDLE, AUTOSOMAL RECESSIVE 17. Identifiers: Orphanet 254361, MedGen C3150989, MONDO:0013390, OMIM 613723.
Epidermolysis bullosa simplex, Ogna type (EBS5A). Also called: Pidermolysis bullosa simplex 5A, Ogna type; EPIDERMOLYSIS BULLOSA SIMPLEX 5A, OGNA TYPE. Identifiers: Orphanet 79401, MedGen C0432317, MONDO:0007555, OMIM 131950.
Epidermolysis bullosa simplex 5B, with muscular dystrophy (EBS5B). Also called: Epidermolysis bullosa simplex with muscular dystrophy; EPIDERMOLYSIS BULLOSA SIMPLEX AND LIMB-GIRDLE MUSCULAR DYSTROPHY. Identifiers: Orphanet 257, MedGen C2931072, MONDO:0009181, OMIM 226670.
Epidermolysis bullosa simplex with nail dystrophy (EBS5D). Identifiers: MedGen C4225309, MONDO:0014661, OMIM 616487.

Allele frequency attached by ClinVar (database versions not stated): gnomAD 0.00001; gnomAD exomes 0.00006; ExAC 0.00007; 1000 Genomes Project 30x 0.00016; 1000 Genomes Project 0.00020.
gnomAD v4.1: 25 of 1,613,054 alleles (0.0015%); highest among the groups gnomAD compares: South Asian, 0.025%; 1 homozygote.

Submissions (3):

Labcorp Genetics (formerly Invitae), Labcorp
Classification: Uncertain significance for Autosomal recessive limb-girdle muscular dystrophy type 2Q; Epidermolysis bullosa simplex, Ogna type; Epidermolysis bullosa simplex with nail dystrophy; Epidermolysis bullosa simplex 5C, with pyloric atresia; Epidermolysis bullosa simplex 5B, with muscular dystrophy. Last evaluated: 2022-10-12. Review status: criteria provided, single submitter. Criteria: Invitae Variant Classification Sherloc (09022015). Collection method: clinical testing. Allele origin: germline.
Comment: In summary, the available evidence is currently insufficient to determine the role of this variant in disease. Therefore, it has been classified as a Variant of Uncertain Significance. Algorithms developed to predict the effect of missense changes on protein structure and function are either unavailable or do not agree on the potential impact of this missense change (SIFT: "Tolerated"; PolyPhen-2: "Possibly Damaging"; Align-GVGD: "Class C0"). ClinVar contains an entry for this variant (Variation ID: 289519). This variant has not been reported in the literature in individuals affected with PLEC-related conditions. This variant is present in population databases (rs576165288, gnomAD 0.04%). This sequence change replaces lysine, which is basic and polar, with glutamic acid, which is acidic and polar, at codon 3263 of the PLEC protein (p.Lys3263Glu).

Revvity Omics, Revvity
Classification: Uncertain significance. Last evaluated: 2021-03-24. Review status: criteria provided, single submitter. Criteria: ACMG Guidelines, 2015. Collection method: clinical testing. Allele origin: germline.

Eurofins Ntd Llc (ga)
Classification: Uncertain significance. Last evaluated: 2016-07-14. Review status: criteria provided, single submitter. Criteria: EGL Classification Definitions 2015. Collection method: clinical testing. Allele origin: germline.